The following is an entry in ClinVar:

ClinVar aggregate classification (germline): Conflicting classifications of pathogenicity. Review status: criteria provided, conflicting classifications (1 of 4 stars). 10 submissions from 10 submitters: Uncertain significance (7); Likely benign (1). 2 of the submissions do not count toward it. Last evaluated 2025-09-25.

Conditions:
Chédiak-Higashi syndrome (CHS). Also called: Chediak-Higashi Syndrome. Identifiers: Orphanet 167, MedGen C0007965, MONDO:0008963, OMIM 214500.
LYST-related disorder. Also called: LYST-related condition.

Allele frequency attached by ClinVar (database versions not stated): ESP Exome Variant Server 0.00008; gnomAD exomes 0.00017 and 0.00030; ExAC 0.00030; gnomAD 0.00043 and 0.00046; TOPMed 0.00068; 1000 Genomes Project 30x 0.00078; 1000 Genomes Project 0.00080.
gnomAD v4.1: 334 of 1,614,054 alleles (0.021%); highest among the groups gnomAD compares: Admixed American, 0.13%; no homozygotes.

Submissions (10):

GeneDx
Classification: Uncertain significance. Last evaluated: 2025-09-25. Review status: criteria provided, single submitter. Criteria: GeneDx Variant Classification Process June 2021. Collection method: clinical testing. Allele origin: germline. Affected: yes.
Comment: Has not been previously published as pathogenic or benign to our knowledge; In silico analysis indicates that this missense variant does not alter protein structure/function

PreventionGenetics, part of Exact Sciences
Classification: Uncertain significance for LYST-related condition. Last evaluated: 2025-09-24. Review status: criteria provided, single submitter. Criteria: ACMG Guidelines, 2015. Collection method: clinical testing. Allele origin: germline.
Comment: The LYST c.143A>G variant is predicted to result in the amino acid substitution p.His48Arg. To our knowledge, this variant has not been reported in the literature. This variant is reported in 0.12% of alleles in individuals of Latino descent in gnomAD. Although we suspect that this variant may be benign, at this time, the clinical significance of this variant is uncertain due to the absence of conclusive functional and genetic evidence.

Mayo Clinic Laboratories, Mayo Clinic
Classification: Likely benign. Last evaluated: 2025-09-11. Review status: criteria provided, single submitter. Criteria: ACMG Guidelines, 2015. Collection method: clinical testing. Allele origin: germline. Observed: 4 variant alleles.
Comment: BS1, BP4_strong

Labcorp Genetics (formerly Invitae), Labcorp
Classification: Uncertain significance for Chédiak-Higashi syndrome. Last evaluated: 2025-01-06. Review status: criteria provided, single submitter. Criteria: Invitae Variant Classification Sherloc (09022015). Collection method: clinical testing. Allele origin: germline.
Comment: This sequence change replaces histidine, which is basic and polar, with arginine, which is basic and polar, at codon 48 of the LYST protein (p.His48Arg). This variant is present in population databases (rs200132460, gnomAD 0.1%). This variant has not been reported in the literature in individuals affected with LYST-related conditions. ClinVar contains an entry for this variant (Variation ID: 525178). Invitae Evidence Modeling of protein sequence and biophysical properties (such as structural, functional, and spatial information, amino acid conservation, physicochemical variation, residue mobility, and thermodynamic stability) indicates that this missense variant is not expected to disrupt LYST protein function with a negative predictive value of 80%. In summary, the available evidence is currently insufficient to determine the role of this variant in disease. Therefore, it has been classified as a Variant of Uncertain Significance.

Blueprint Genetics
Classification: Uncertain significance. Last evaluated: 2024-11-21. Review status: criteria provided, single submitter. Criteria: ACMG Guidelines, 2015. Collection method: clinical testing. Allele origin: germline.

CeGaT Center for Human Genetics Tuebingen
Classification: Uncertain significance. Last evaluated: 2020-12-01. Review status: criteria provided, single submitter. Criteria: CeGaT Center For Human Genetics Tuebingen Variant Classification Criteria Version 2. Collection method: clinical testing. Allele origin: germline. Affected: yes. Observed: 1 variant allele.

Revvity Omics, Revvity
Classification: Uncertain significance for Chédiak-Higashi syndrome. Last evaluated: 2019-12-26. Review status: criteria provided, single submitter. Criteria: ACMG Guidelines, 2015. Collection method: clinical testing. Allele origin: germline.

Breakthrough Genomics
Classification: Uncertain significance. Review status: criteria provided, single submitter. Criteria: ACMG Guidelines, 2015. Collection method: not provided. Allele origin: germline. Inheritance: Autosomal recessive inheritance. Affected: yes.

Clinical Genetics DNA and cytogenetics Diagnostics Lab, Erasmus MC, Erasmus Medical Center
Classification: Likely benign. Review status: no assertion criteria provided. Collection method: clinical testing. Allele origin: germline. Affected: yes. Study: VKGL Data-share Consensus. Not counted in ClinVar's aggregate classification.

Genome Diagnostics Laboratory, University Medical Center Utrecht
Classification: Likely benign. Review status: no assertion criteria provided. Collection method: clinical testing. Allele origin: germline. Affected: yes. Study: VKGL Data-share Consensus. Not counted in ClinVar's aggregate classification.

NM_000081.4(LYST):c.143A>G (p.His48Arg)

Gene: LYST (lysosomal trafficking regulator; minus strand). Cytogenetic location: 1q42.3.
Variant type: single nucleotide variant.
Coding change: c.143A>G on transcript NM_000081.4 (MANE Select); coding-DNA position 143, A replaced by G.
Protein change: p.His48Arg; replaces histidine 48 with arginine.
Molecular consequence: missense variant. On other transcripts: non-coding transcript variant (1).
Genome position (GRCh38, 1-based): chr1:235,830,275, T>C on the plus strand (A>G on the coding strand, the complement: LYST is on the minus strand). VCF-style: chr1-235830275-T-C. GRCh37 (hg19) VCF-style: chr1-235993575-T-C.
Other names: p.His48Arg; c.143A>G (NM_000081.2); c.143A>G, p.His48Arg (NM_001301365.1); short protein forms H48R.
Identifiers: ClinVar variation 525178 (VCV000525178.57), dbSNP rs200132460, ClinGen allele CA1467721.
Genomic context (GRCh38, chr1:235,830,275, plus strand): 5'-AAAAATGTTACCTGATCAATTATAGAATTTAGCTTGGTAAGTAATAGAAATCCTCGACCA[T>C]GGACAAGGTACTGTCCAAGGGTTGCCATGTGCGTCTCCTCCTCTTCTTCCTCCCTGGCCT-3'
Protein context (NP_000072.2, residues 38-58): HMATLGQYLV[His48Arg]GRGFLLLTKL